The following is an entry in ClinVar:

ClinVar aggregate classification (germline): Uncertain significance (1 of 4 stars; one submission).

Conditions:
Sulfite oxidase deficiency due to molybdenum cofactor deficiency type A. Also called: Molybdenum cofactor deficiency, complementation group A; Molybdenum Cofactor Deficiency A. Identifiers: Orphanet 308386, Orphanet 833, MedGen C1854988, MONDO:0009643, OMIM 252150.

Allele frequency attached by ClinVar (database versions not stated): gnomAD 0.00001; gnomAD exomes 0.00003; ExAC 0.00010; 1000 Genomes Project 30x 0.00016; 1000 Genomes Project 0.00020.
gnomAD v4.1: 54 of 1,613,504 alleles (0.0033%); highest among the groups gnomAD compares: South Asian, 0.055%; 1 homozygote.

Submission:

Labcorp Genetics (formerly Invitae), Labcorp
Classification: Uncertain significance for Sulfite oxidase deficiency due to molybdenum cofactor deficiency type A. Last evaluated: 2022-06-24. Review status: criteria provided, single submitter. Criteria: Invitae Variant Classification Sherloc (09022015). Collection method: clinical testing. Allele origin: germline.
Comment: This sequence change replaces phenylalanine, which is neutral and non-polar, with valine, which is neutral and non-polar, at codon 400 of the MOCS1 protein (p.Phe400Val). This variant is present in population databases (rs539506877, gnomAD 0.07%). This variant has not been reported in the literature in individuals affected with MOCS1-related conditions. Algorithms developed to predict the effect of missense changes on protein structure and function are either unavailable or do not agree on the potential impact of this missense change (SIFT: "Not Available"; PolyPhen-2: "Benign"; Align-GVGD: "Not Available"). In summary, the available evidence is currently insufficient to determine the role of this variant in disease. Therefore, it has been classified as a Variant of Uncertain Significance.

NM_001358530.2(MOCS1):c.1198T>G (p.Phe400Val)

Gene: MOCS1 (molybdenum cofactor synthesis 1; minus strand). Cytogenetic location: 6p21.2.
Variant type: single nucleotide variant.
Coding change: c.1198T>G on transcript NM_001358530.2 (MANE Select); coding-DNA position 1198, T replaced by G.
Protein change: p.Phe400Val; replaces phenylalanine 400 with valine.
Molecular consequence: missense variant. On other transcripts: 3 prime UTR variant (4), non-coding transcript variant (1).
Genome position (GRCh38, 1-based): chr6:39,907,070, A>C on the plus strand (T>G on the coding strand, the complement: MOCS1 is on the minus strand). VCF-style: chr6-39907070-A-C. GRCh37 (hg19) VCF-style: chr6-39874846-A-C.
Other names: c.*55T>G (NM_001075098.4, NM_001358533.2, NM_001358534.2 and 1 more transcripts); c.1150T>G, p.Phe384Val (NM_001358529.2); c.937T>G, p.Phe313Val (NM_001358531.2); short protein forms F400V, F313V, F384V.
Identifiers: ClinVar variation 2087594 (VCV002087594.1), dbSNP rs539506877, ClinGen allele CA3795987.
Genomic context (GRCh38, chr6:39,907,070, plus strand): 5'-CCTGGCTGGAGAAACTCATTCTGGGTCTTAGACCCTGAACATGGAGCGGGTCCCAGGAGA[A>C]AATGCTTGGATTGGCTGGTGGGGAATTGGGGAACATCAAAAATAACTCTGCAAGGCAAGA-3'
Protein context (NP_001345459.1, residues 390-410): PNSPPANPSI[Phe400Val]SWDPLHVQGL